The following is an entry in ClinVar:

ClinVar aggregate classification (germline): Uncertain significance (1 of 4 stars; one submission).

Allele frequency attached by ClinVar (database versions not stated): gnomAD exomes below 0.00001; ExAC 0.00001; TOPMed 0.00003; gnomAD 0.00004.

Submission:

GeneDx
Classification: Uncertain significance. Last evaluated: 2017-10-20. Review status: criteria provided, single submitter. Criteria: GeneDx Variant Classification (06012015). Collection method: clinical testing. Allele origin: germline. Affected: yes.
Comment: The c.759dupC variant in the LIPC gene has not been reported previously as a pathogenic variant nor as a benign variant, to our knowledge. The c.759dupC variant causes a frameshift starting with codon Cysteine 254, changes this amino acid to a Leucine residue, and creates a premature Stop codon at position 51 of the new reading frame, denoted p.Cys254LeufsX51. This variant is predicted to cause loss of normal protein function either through protein truncation or nonsense-mediated mRNA decay, however, loss-of-function is not a know mechanism of disease for LIPC. The c.759dupC variant is not observed in large population cohorts (Lek et al., 2016). We interpret c.759dupC as a variant of uncertain significance.

NM_000236.3(LIPC):c.759dup (p.Cys254fs)

Gene: LIPC (lipase C, hepatic type; plus strand). Cytogenetic location: 15q21.3.
Variant type: Duplication.
Coding change: c.759dup on transcript NM_000236.3 (MANE Select); coding-DNA position 759, one base duplicated (C; older notation c.759dupC).
Protein change: p.Cys254fs; shifts the reading frame from cysteine 254.
Molecular consequence: frameshift variant.
Genome position (GRCh38, 1-based): chr15:58,545,926, C duplicated. VCF-style (leftmost placement, unchanged base first): chr15-58545925-G-GC. GRCh37 (hg19) VCF-style: chr15-58838124-G-GC.
Other names: c.759dupC (NM_000236.2); short protein forms C254fs.
Identifiers: ClinVar variation 452677 (VCV000452677.2), dbSNP rs749271888, ClinGen allele CA7584979.